The following is an entry in ClinVar:

NM_003068.5(SNAI2):c.230C>G (p.Ser77Cys)

Gene: SNAI2 (snail family transcriptional repressor 2; minus strand). Cytogenetic location: 8q11.21.
Variant type: single nucleotide variant.
Coding change: c.230C>G on transcript NM_003068.5 (MANE Select); coding-DNA position 230, C replaced by G.
Protein change: p.Ser77Cys; replaces serine 77 with cysteine.
Molecular consequence: missense variant.
Genome position (GRCh38, 1-based): chr8:48,920,291, G>C on the plus strand (C>G on the coding strand, the complement: SNAI2 is on the minus strand). VCF-style: chr8-48920291-G-C. GRCh37 (hg19) VCF-style: chr8-49832850-G-C.
Other names: short protein forms S77C.
Identifiers: ClinVar variation 1315727 (VCV001315727.6), dbSNP rs372039867, ClinGen allele CA4743529.
Genomic context (GRCh38, chr8:48,920,291, plus strand): 5'-TTGGAGGAGGTGTCAGATGGAGGAGGGGGACTCACTCGCCCCAAAGATGAGGAGTATCCG[G>C]AAAGAGGAGAGAGGCCATTGGGTAGCTGGGCGTGGAATGGAGCAGCGGTAGTCCACACAG-3'
Protein context (NP_003059.1, residues 67-87): AQLPNGLSPL[Ser77Cys]GYSSSLGRVS

ClinVar aggregate classification (germline): Conflicting classifications of pathogenicity. Review status: criteria provided, conflicting classifications (1 of 4 stars). 2 submissions from 2 submitters: Uncertain significance (1); Likely benign (1). Last evaluated 2023-06-30.

Allele frequency attached by ClinVar (database versions not stated): 1000 Genomes Project 30x 0.00016; 1000 Genomes Project 0.00020.
gnomAD v4.1: 41 of 1,612,900 alleles (0.0025%); highest among the groups gnomAD compares: East Asian, 0.087%; no homozygotes.

Submissions (2):

Labcorp Genetics (formerly Invitae), Labcorp
Classification: Uncertain significance. Last evaluated: 2023-06-30. Review status: criteria provided, single submitter. Criteria: Invitae Variant Classification Sherloc (09022015). Collection method: clinical testing. Allele origin: germline.
Comment: An algorithm developed to predict the effect of missense changes on protein structure and function (PolyPhen-2) suggests that this variant is likely to be disruptive. In summary, the available evidence is currently insufficient to determine the role of this variant in disease. Therefore, it has been classified as a Variant of Uncertain Significance. ClinVar contains an entry for this variant (Variation ID: 1315727). This missense change has been observed in individual(s) with Waardenburg syndrome (PMID: 30936914). This variant is present in population databases (rs372039867, gnomAD 0.2%). This sequence change replaces serine, which is neutral and polar, with cysteine, which is neutral and slightly polar, at codon 77 of the SNAI2 protein (p.Ser77Cys).

GeneDx
Classification: Likely benign. Last evaluated: 2021-05-06. Review status: criteria provided, single submitter. Criteria: GeneDx Variant Classification Process June 2021. Collection method: clinical testing. Allele origin: germline. Affected: yes.
Comment: This variant is associated with the following publications: (PMID: 30936914)

Literature cited by the submitters: PubMed 30936914 (cited by Labcorp Genetics (formerly Invitae), Labcorp).